The following is an entry in ClinVar:

NM_000136.3(FANCC):c.140A>C (p.Lys47Thr)

Gene: FANCC (FA complementation group C; minus strand). Cytogenetic location: 9q22.32.
Variant type: single nucleotide variant.
Coding change: c.140A>C on transcript NM_000136.3 (MANE Select); coding-DNA position 140, A replaced by C.
Protein change: p.Lys47Thr; replaces lysine 47 with threonine.
Molecular consequence: missense variant.
Genome position (GRCh38, 1-based): chr9:95,249,152, T>G on the plus strand (A>C on the coding strand, the complement: FANCC is on the minus strand). VCF-style: chr9-95249152-T-G. GRCh37 (hg19) VCF-style: chr9-98011434-T-G.
Other names: c.140A>C, p.Lys47Thr (NM_001243743.2, NM_001243744.2); short protein forms K47T.
Identifiers: ClinVar variation 1442885 (VCV001442885.7), dbSNP rs1588353368, ClinGen allele CA374340246.
Genomic context (GRCh38, chr9:95,249,152, plus strand): 5'-AGAAAATAATTTCATTATTCTGGTCCACTACTTACCATCTCTTTCAAGGCTTCATACATC[T>G]TCCTTAGGAACTCCTGGAACTGAGCCACGTGAAGACAGGTGTCTTGCTGGGTTTCCAAAG-3'
Protein context (NP_000127.2, residues 37-57): HVAQFQEFLR[Lys47Thr]MYEALKEMDS

ClinVar aggregate classification (germline): Uncertain significance. Review status: criteria provided, multiple submitters, no conflicts (2 of 4 stars). 4 submissions from 4 submitters: Uncertain significance (4). Last evaluated 2022-05-04.

Conditions:
Fanconi anemia (FA). Also called: Fanconi's anemia. Identifiers: Orphanet 84, MedGen C0015625, MeSH D005199, MONDO:0019391.
Hereditary cancer-predisposing syndrome. Also called: Tumor predisposition; Hereditary Cancer Syndrome; Hereditary neoplastic syndrome; Neoplastic Syndromes, Hereditary. Identifiers: Orphanet 140162, MedGen C0027672, MeSH D009386, MONDO:0015356.

gnomAD v4.1: 1 of 1,614,050 alleles (0.000062%); no homozygotes.

Submissions (4):

Mendelics
Classification: Uncertain significance. Last evaluated: 2022-05-04. Review status: criteria provided, single submitter. Criteria: Mendelics Assertion Criteria 2019. Collection method: clinical testing. Allele origin: germline.

Sema4
Classification: Uncertain significance for Fanconi anemia. Last evaluated: 2021-09-03. Review status: criteria provided, single submitter. Criteria: Sema4 Curation Guidelines. Collection method: curation. Allele origin: germline.
Comment: The FANCC c.140A>C (p.K47T) variant has not been reported in the literature to our knowledge. It was not observed in the large and broad cohorts of the Genome Aggregation Database (PMID: 32461654). The variant has not been reported in ClinVar. Functional studies have not been performed, and in silico predictions of the variant's effect on protein function are inconclusive. The evidence is insufficient to meet ACMG/AMP criteria for classifying the variant as benign or pathogenic. Thus, the clinical significance of this variant is currently uncertain.

Labcorp Genetics (formerly Invitae), Labcorp
Classification: Uncertain significance for Fanconi anemia. Last evaluated: 2021-08-05. Review status: criteria provided, single submitter. Criteria: Invitae Variant Classification Sherloc (09022015). Collection method: clinical testing. Allele origin: germline.
Comment: This sequence change replaces lysine with threonine at codon 47 of the FANCC protein (p.Lys47Thr). The lysine residue is weakly conserved and there is a moderate physicochemical difference between lysine and threonine. This variant is not present in population databases (ExAC no frequency). This variant has not been reported in the literature in individuals affected with FANCC-related conditions. Algorithms developed to predict the effect of missense changes on protein structure and function are either unavailable or do not agree on the potential impact of this missense change (SIFT: "Deleterious"; PolyPhen-2: "Benign"; Align-GVGD: "Class C0"). In summary, the available evidence is currently insufficient to determine the role of this variant in disease. Therefore, it has been classified as a Variant of Uncertain Significance.

Ambry Genetics
Classification: Uncertain significance for Hereditary cancer-predisposing syndrome. Last evaluated: 2021-04-15. Review status: criteria provided, single submitter. Criteria: Ambry Variant Classification Scheme 2023. Collection method: clinical testing. Allele origin: germline.
Comment: The p.K47T variant (also known as c.140A>C), located in coding exon 1 of the FANCC gene, results from an A to C substitution at nucleotide position 140. The lysine at codon 47 is replaced by threonine, an amino acid with similar properties. This amino acid position is poorly conserved in available vertebrate species. In addition, this alteration is predicted to be tolerated by in silico analysis. Since supporting evidence is limited at this time, the clinical significance of this alteration remains unclear.